The following is an entry in ClinVar:

NM_182961.4(SYNE1):c.8745G>A (p.Gly2915=)

Genes: SYNE1 (spectrin repeat containing nuclear envelope protein 1; minus strand), SYNE1-AS1 (SYNE1 antisense RNA 1; plus strand). Cytogenetic location: 6q25.2.
Variant type: single nucleotide variant.
Coding change: c.8745G>A on transcript NM_182961.4 (MANE Select); coding-DNA position 8745, G replaced by A.
Protein change: p.Gly2915=; no amino-acid change (glycine 2915 retained).
Molecular consequence: synonymous variant. On other transcripts: non-coding transcript variant (1).
Genome position (GRCh38, 1-based): chr6:152,381,270, C>T on the plus strand (G>A on the coding strand, the complement: SYNE1 is on the minus strand). VCF-style: chr6-152381270-C-T. GRCh37 (hg19) VCF-style: chr6-152702405-C-T.
Other names: c.8745G>A (NM_182961.2); c.8766G>A, p.Gly2922= (NM_033071.5).
Identifiers: ClinVar variation 286263 (VCV000286263.49), dbSNP rs533882082, ClinGen allele CA4057467.

ClinVar aggregate classification (germline): Conflicting classifications of pathogenicity. Review status: criteria provided, conflicting classifications (1 of 4 stars). 4 submissions from 4 submitters: Uncertain significance (3); Likely benign (1). Last evaluated 2025-07-21.

Conditions:
Emery-Dreifuss muscular dystrophy 4, autosomal dominant (EDMD4). Also called: EMERY-DREIFUSS MUSCULAR DYSTROPHY 4 WITH VARIABLE FEATURES. Identifiers: Orphanet 261, MedGen C2751807, MONDO:0013071, OMIM 612998.
Autosomal recessive ataxia, Beauce type. Also called: SYNE1 Deficiency; SYNE1-Related Autosomal Recessive Cerebellar Ataxia; ATAXIA, RECESSIVE, OF BEAUCE; Spinocerebellar ataxia, autosomal recessive 8. Identifiers: Orphanet 88644, MedGen C1853116, MONDO:0012549, OMIM 610743.

Allele frequency attached by ClinVar (database versions not stated): gnomAD 0.00002 and 0.00003; TOPMed 0.00002; ExAC 0.00003; gnomAD exomes 0.00005; 1000 Genomes Project 0.00040; 1000 Genomes Project 30x 0.00047.
gnomAD v4.1: 13 of 1,614,228 alleles (0.00081%); highest among the groups gnomAD compares: East Asian, 0.029%; no homozygotes.

Submissions (4):

Labcorp Genetics (formerly Invitae), Labcorp
Classification: Likely benign for Emery-Dreifuss muscular dystrophy 4, autosomal dominant; Autosomal recessive ataxia, Beauce type. Last evaluated: 2025-07-21. Review status: criteria provided, single submitter. Criteria: Invitae Variant Classification Sherloc (09022015). Collection method: clinical testing. Allele origin: germline.

Athena Diagnostics
Classification: Uncertain significance. Last evaluated: 2024-04-17. Review status: criteria provided, single submitter. Criteria: Athena Diagnostics Criteria. Collection method: clinical testing. Allele origin: unknown.
Comment: Available data are insufficient to determine the clinical significance of the variant at this time. The frequency of this variant in the general population is higher than would generally be expected for pathogenic variants in this gene. Computational tools yielded predictions that this variant may result in the gain of a cryptic splice site without affecting the natural splice sites.

CeGaT Center for Human Genetics Tuebingen
Classification: Uncertain significance. Last evaluated: 2017-03-01. Review status: criteria provided, single submitter. Criteria: CeGaT Center For Human Genetics Tuebingen Variant Classification Criteria Version 2. Collection method: clinical testing. Allele origin: germline. Affected: yes. Observed: 1 variant allele.

Eurofins Ntd Llc (ga)
Classification: Uncertain significance. Last evaluated: 2016-02-12. Review status: criteria provided, single submitter. Criteria: EGL Classification Definitions 2015. Collection method: clinical testing. Allele origin: germline. Observed: 1 variant allele, 1 heterozygote.